The following is an entry in ClinVar:

ClinVar aggregate classification (germline): Pathogenic (1 of 4 stars; one submission).

Conditions:
Clark-Baraitser syndrome. Also called: BARAITSER SYNDROME; Mental retardation, tall stature, obesity, macrocephaly and typical facial features; Intellectual disability, autosomal dominant 49; MENTAL RETARDATION, AUTOSOMAL DOMINANT 49. Identifiers: Orphanet 600731, MedGen C2931130, MONDO:0030914, OMIM 617752.

Submission:

MGZ Medical Genetics Center
Classification: Pathogenic for Clark-Baraitser syndrome. Last evaluated: 2022-06-28. Review status: criteria provided, single submitter. Criteria: ACMG Guidelines, 2015. Collection method: clinical testing. Allele origin: germline. Affected: yes. Observed: 1 variant allele.
Comment: ACMG criteria applied: PVS1, PS2_SUP, PM2_SUP

NM_001348323.3(TRIP12):c.4216-2A>G

Gene: TRIP12 (thyroid hormone receptor interactor 12; minus strand). Cytogenetic location: 2q36.3.
Variant type: single nucleotide variant.
Coding change: c.4216-2A>G on transcript NM_001348323.3 (MANE Select); the canonical splice acceptor site of the intron before coding-DNA position 4216, A replaced by G.
Molecular consequence: splice acceptor variant.
Genome position (GRCh38, 1-based): chr2:229,792,067, T>C on the plus strand (A>G on the coding strand, the complement: TRIP12 is on the minus strand). VCF-style: chr2-229792067-T-C. GRCh37 (hg19) VCF-style: chr2-230656783-T-C.
Other names: c.3181-2A>G (NM_001284216.2); c.3991-2A>G (NM_004238.3); c.3994-2A>G (NM_001348331.1); c.4075-2A>G (NM_001348317.1, NM_001348318.2); c.4090-2A>G (NM_001284215.2, NM_001348316.2); c.4114-2A>G (NM_001348332.1); c.4135-2A>G (NM_001284214.2, NM_001348315.2); c.4201-2A>G (NM_001348319.1, NM_001348320.2); and 4 more.
Identifiers: ClinVar variation 1709568 (VCV001709568.2), dbSNP rs2471181256, ClinGen allele CA350900752.